The following is an entry in ClinVar:

NM_000455.5(STK11):c.464+15C>T

Gene: STK11 (serine/threonine kinase 11; plus strand). Cytogenetic location: 19p13.3.
Variant type: single nucleotide variant.
Coding change: c.464+15C>T on transcript NM_000455.5 (MANE Select); 15 bases into the intron after coding-DNA position 464, C replaced by T.
Molecular consequence: intron variant.
Genome position (GRCh38, 1-based): chr19:1,219,428, C>T. VCF-style: chr19-1219428-C-T. GRCh37 (hg19) VCF-style: chr19-1219427-C-T.
Identifiers: ClinVar variation 382433 (VCV000382433.10), dbSNP rs1057521355, ClinGen allele CA16608827.

ClinVar aggregate classification (germline): Conflicting classifications of pathogenicity. Review status: criteria provided, conflicting classifications (1 of 4 stars). 4 submissions from 4 submitters: Uncertain significance (2); Likely benign (2). Last evaluated 2025-08-20.

Conditions:
Hereditary cancer-predisposing syndrome. Also called: Hereditary neoplastic syndrome; Tumor predisposition; Neoplastic Syndromes, Hereditary; Hereditary Cancer Syndrome. Identifiers: Orphanet 140162, MedGen C0027672, MeSH D009386, MONDO:0015356.
Peutz-Jeghers syndrome (PJS). Also called: Peutz-Jeghers polyposis; Periorificial lentiginosis syndrome; POLYPOSIS, HAMARTOMATOUS INTESTINAL; POLYPS-AND-SPOTS SYNDROME. Identifiers: Orphanet 2869, MedGen C0031269, MeSH D010580, MONDO:0008280, OMIM 175200.

Allele frequency attached by ClinVar (database versions not stated): gnomAD 0.00001; 1000 Genomes Project 30x 0.00016.
gnomAD v4.1: 2 of 1,553,968 alleles (0.00013%); highest among the groups gnomAD compares: East Asian, 0.0049%; no homozygotes.

Submissions (4):

Labcorp Genetics (formerly Invitae), Labcorp
Classification: Likely benign for Peutz-Jeghers syndrome. Last evaluated: 2025-08-20. Review status: criteria provided, single submitter. Criteria: Invitae Variant Classification Sherloc (09022015). Collection method: clinical testing. Allele origin: germline.

Genome-Nilou Lab
Classification: Uncertain significance for Peutz-Jeghers syndrome. Last evaluated: 2021-07-15. Review status: criteria provided, single submitter. Criteria: ACMG Guidelines, 2015. Collection method: clinical testing. Allele origin: germline. Affected: no.

Color Diagnostics, LLC DBA Color Health
Classification: Uncertain significance for Hereditary cancer-predisposing syndrome. Last evaluated: 2019-01-31. Review status: criteria provided, single submitter. Criteria: ACMG Guidelines, 2015. Collection method: clinical testing. Allele origin: germline.

GeneDx
Classification: Likely benign. Last evaluated: 2017-11-28. Review status: criteria provided, single submitter. Criteria: GeneDx Variant Classification (06012015). Collection method: clinical testing. Allele origin: germline. Affected: yes.
Comment: This variant is considered likely benign or benign based on one or more of the following criteria: it is a conservative change, it occurs at a poorly conserved position in the protein, it is predicted to be benign by multiple in silico algorithms, and/or has population frequency not consistent with disease.